The following is an entry in ClinVar:

NM_002471.4(MYH6):c.4611G>A (p.Val1537=)

Gene: MYH6 (myosin heavy chain 6; minus strand). Cytogenetic location: 14q11.2.
Variant type: single nucleotide variant.
Coding change: c.4611G>A on transcript NM_002471.4 (MANE Select); coding-DNA position 4611, G replaced by A.
Protein change: p.Val1537=; no amino-acid change (valine 1537 retained).
Molecular consequence: synonymous variant.
Genome position (GRCh38, 1-based): chr14:23,387,568, C>T on the plus strand (G>A on the coding strand, the complement: MYH6 is on the minus strand). VCF-style: chr14-23387568-C-T. GRCh37 (hg19) VCF-style: chr14-23856777-C-T.
Identifiers: ClinVar variation 44517 (VCV000044517.24), dbSNP rs142983918, ClinGen allele CA134418.
Genomic context (GRCh38, chr14:23,387,568, plus strand): 5'-CAGGGAGTTCTCGGCCCTCACCTCTGCCTCCTCCAGGGCTGACTGCAGCTCCAGCTTCTC[C>T]ACCTCCAGCTGTTTGCGGACCTTCTCCAGCTCATGCACATTCTTTCCTCCTTCTCCTAGC-3'
Protein context (NP_002462.2, residues 1527-1547): ELEKVRKQLE[Val1537=]EKLELQSALE

ClinVar aggregate classification (germline): Benign/Likely benign. Review status: criteria provided, multiple submitters, no conflicts (2 of 4 stars). 7 submissions from 7 submitters: Benign (1); Likely benign (5). 1 of the submissions does not count toward it. Last evaluated 2026-01-13.

Conditions:
MYH6-related disorder. Also called: MYH6-related condition; MYH6-Related Disorders.
Cardiovascular phenotype. Identifiers: MedGen CN230736.
Cardiomyopathy (CMYO). Also called: Cardiomyopathies. Identifiers: Orphanet 167848, MedGen C0878544, MONDO:0004994, HP:0001638. Inheritance: Various modes of inheritance.
Hypertrophic cardiomyopathy 14. Identifiers: MedGen C2750467, MONDO:0013197, OMIM 613251.

Allele frequency attached by ClinVar (database versions not stated): gnomAD exomes 0.00004 and 0.00011; ExAC 0.00011; gnomAD 0.00029 and 0.00030; TOPMed 0.00032; 1000 Genomes Project 0.00060; ESP Exome Variant Server 0.00069; 1000 Genomes Project 30x 0.00078.
gnomAD v4.1: 95 of 1,614,110 alleles (0.0059%); highest among the groups gnomAD compares: African/African-American, 0.11%; no homozygotes.

Submissions (7):

Labcorp Genetics (formerly Invitae), Labcorp
Classification: Likely benign for Hypertrophic cardiomyopathy 14. Last evaluated: 2026-01-13. Review status: criteria provided, single submitter. Criteria: Invitae Variant Classification Sherloc (09022015). Collection method: clinical testing. Allele origin: germline.

Women's Health and Genetics/Laboratory Corporation of America, LabCorp
Classification: Benign. Last evaluated: 2023-07-22. Review status: criteria provided, single submitter. Criteria: LabCorp Variant Classification Summary - May 2015. Collection method: clinical testing. Allele origin: germline.

Blueprint Genetics
Classification: Likely benign. Last evaluated: 2019-06-04. Review status: criteria provided, single submitter. Criteria: ACMG Guidelines, 2015. Collection method: clinical testing. Allele origin: germline.

CHEO Genetics Diagnostic Laboratory, Children's Hospital of Eastern Ontario
Classification: Likely benign for Cardiomyopathy. Last evaluated: 2017-08-21. Review status: criteria provided, single submitter. Criteria: ACMG Guidelines, 2015. Collection method: clinical testing. Allele origin: germline. Study: Canadian Open Genetics Repository.

Ambry Genetics
Classification: Likely benign for Cardiovascular phenotype. Last evaluated: 2016-11-17. Review status: criteria provided, single submitter. Criteria: Ambry Variant Classification Scheme 2023. Collection method: clinical testing. Allele origin: germline.

Laboratory for Molecular Medicine, Mass General Brigham Personalized Medicine
Classification: Likely benign. Last evaluated: 2012-04-12. Review status: criteria provided, single submitter. Criteria: LMM Criteria. Collection method: clinical testing. Allele origin: germline. Observed: 1 variant allele.
Comment: Val1537Val in Exon 32 of MYH6: This variant is not expected to have clinical sig nificance because it does not alter an amino acid residue, is not located within the splice consensus sequence. It has been identified in 0.2% (6/3738) of Afric an American chromosomes from a broad population by the NHLBI Exome Sequencing Pr oject (dbSNP rs142983918). Val1537Val in Exon 32 of MYH6 (rs142983918; allele frequency = 0.2%, 6/3738) **

PreventionGenetics, part of Exact Sciences
Classification: Likely benign for MYH6-related condition. Last evaluated: 2021-02-01. Review status: no assertion criteria provided. Collection method: clinical testing. Allele origin: germline. Not counted in ClinVar's aggregate classification.
Comment: This variant is classified as likely benign based on ACMG/AMP sequence variant interpretation guidelines (Richards et al. 2015 PMID: 25741868, with internal and published modifications).